The following is an entry in ClinVar:

NM_000543.5(SMPD1):c.1280A>T (p.His427Leu)

Gene: SMPD1 (sphingomyelin phosphodiesterase 1; plus strand). Cytogenetic location: 11p15.4.
Variant type: single nucleotide variant.
Coding change: c.1280A>T on transcript NM_000543.5 (MANE Select); coding-DNA position 1280, A replaced by T.
Protein change: p.His427Leu; replaces histidine 427 with leucine.
Molecular consequence: missense variant. On other transcripts: non-coding transcript variant (2).
Genome position (GRCh38, 1-based): chr11:6,393,633, A>T. VCF-style: chr11-6393633-A-T. GRCh37 (hg19) VCF-style: chr11-6414863-A-T.
Other names: c.1277A>T, p.His426Leu (NM_001007593.3); c.1280A>T, p.His427Leu (NM_001318087.2); c.359A>T, p.His120Leu (NM_001318088.2); c.1148A>T, p.His383Leu (NM_001365135.2); c.1280A>T (NM_000543.4); short protein forms H427L, H120L, H383L, H426L.
Identifiers: ClinVar variation 197160 (VCV000197160.11), dbSNP rs794727629, ClinGen allele CA245141.

ClinVar aggregate classification (germline): Conflicting classifications of pathogenicity. Review status: criteria provided, conflicting classifications (1 of 4 stars). 3 submissions from 3 submitters: Likely pathogenic (1); Uncertain significance (1). 1 of the submissions does not count toward it. Last evaluated 2023-12-19.

Conditions:
Niemann-Pick disease, type A. Also called: Infantile Neurovisceral ASMD (Niemann-Pick Disease Type A; NPD-A); SPHINGOMYELIN LIPIDOSIS; SPHINGOMYELINASE DEFICIENCY. Identifiers: Orphanet 77292, MedGen C0268242, MONDO:0009756, OMIM 257200. Disease mechanism: loss of function.
Niemann-Pick disease, type B. Also called: Chronic Visceral ASMD (Niemann-Pick Disease Type B; NPD-B). Identifiers: Orphanet 77293, MedGen C0268243, MONDO:0011871, OMIM 607616. Disease mechanism: loss of function.

gnomAD v4.1: 1 of 1,613,808 alleles (0.000062%); no homozygotes.

Submissions (3):

Labcorp Genetics (formerly Invitae), Labcorp
Classification: Likely pathogenic for Niemann-Pick disease, type B; Niemann-Pick disease, type A. Last evaluated: 2023-12-19. Review status: criteria provided, single submitter. Criteria: Invitae Variant Classification Sherloc (09022015). Collection method: clinical testing. Allele origin: germline.
Comment: This sequence change replaces histidine, which is basic and polar, with leucine, which is neutral and non-polar, at codon 427 of the SMPD1 protein (p.His427Leu). This variant is not present in population databases (gnomAD no frequency). This variant has not been reported in the literature in individuals affected with SMPD1-related conditions. ClinVar contains an entry for this variant (Variation ID: 197160). Advanced modeling of protein sequence and biophysical properties (such as structural, functional, and spatial information, amino acid conservation, physicochemical variation, residue mobility, and thermodynamic stability) performed at Invitae indicates that this missense variant is expected to disrupt SMPD1 protein function with a positive predictive value of 95%. This variant disrupts the p.His427 amino acid residue in SMPD1. Other variant(s) that disrupt this residue have been determined to be pathogenic (PMID: 20386867, 25144372). This suggests that this residue is clinically significant, and that variants that disrupt this residue are likely to be disease-causing. In summary, the currently available evidence indicates that the variant is pathogenic, but additional data are needed to prove that conclusively. Therefore, this variant has been classified as Likely Pathogenic.

Eurofins Ntd Llc (ga)
Classification: Uncertain significance. Last evaluated: 2014-10-24. Review status: criteria provided, single submitter. Criteria: EGL Classification Definitions 2015. Collection method: clinical testing. Allele origin: germline. Observed: 1 variant allele, 1 heterozygote.

Natera, Inc.
Classification: Uncertain significance for Niemann-Pick Disease, Types A/B. Last evaluated: 2025-01-21. Review status: no assertion criteria provided. Collection method: clinical testing. Allele origin: germline. Not counted in ClinVar's aggregate classification.

Literature cited by the submitters: PubMed 20386867 (cited by Labcorp Genetics (formerly Invitae), Labcorp); PubMed 25144372 (cited by Labcorp Genetics (formerly Invitae), Labcorp).